The following is an entry in ClinVar:

NM_000321.3(RB1):c.-158G>A

Gene: RB1 (RB transcriptional corepressor 1; plus strand). Cytogenetic location: 13q14.2.
Variant type: single nucleotide variant.
Coding change: c.-158G>A on transcript NM_000321.3 (MANE Select); 158 bases upstream of the start codon, G replaced by A.
Molecular consequence: 5 prime UTR variant.
Genome position (GRCh38, 1-based): chr13:48,303,755, G>A. VCF-style: chr13-48303755-G-A. GRCh37 (hg19) VCF-style: chr13-48877891-G-A.
Other names: c.-158G>A (NM_001407165.1, NM_001407166.1, NM_001407167.1).
Identifiers: ClinVar variation 2915146 (VCV002915146.3), dbSNP rs960064111, ClinGen allele CA249842003.

ClinVar aggregate classification (germline): Uncertain significance (1 of 4 stars; one submission).

Conditions:
Retinoblastoma (RB1). Also called: RETINOBLASTOMA, SOMATIC. Identifiers: Orphanet 790, MedGen C0035335, MeSH D012175, MONDO:0008380, OMIM 180200, HP:0009919. Disease mechanism: loss of function. Inheritance: Both sporadic and heritable forms are tested..

Allele frequency attached by ClinVar (database versions not stated): gnomAD exomes 0.00001.
gnomAD v4.1: 6 of 1,184,798 alleles (0.00051%); highest among the groups gnomAD compares: Non-Finnish European, 0.00057%; no homozygotes.

Submission:

Labcorp Genetics (formerly Invitae), Labcorp
Classification: Uncertain significance for Retinoblastoma. Last evaluated: 2025-11-22. Review status: criteria provided, single submitter. Criteria: Invitae Variant Classification Sherloc (09022015). Collection method: clinical testing. Allele origin: germline.
Comment: This variant occurs in a non-coding region of the RB1 gene. It does not change the encoded amino acid sequence of the RB1 protein. This variant is not present in population databases (gnomAD no frequency). This variant has not been reported in the literature in individuals affected with RB1-related conditions. ClinVar contains an entry for this variant (Variation ID: 2915146). In summary, the available evidence is currently insufficient to determine the role of this variant in disease. Therefore, it has been classified as a Variant of Uncertain Significance.